The following is an entry in ClinVar:

NM_021625.5(TRPV4):c.2609C>T (p.Pro870Leu)

Gene: TRPV4 (transient receptor potential cation channel subfamily V member 4; minus strand). Cytogenetic location: 12q24.11.
Variant type: single nucleotide variant.
Coding change: c.2609C>T on transcript NM_021625.5 (MANE Select); coding-DNA position 2609, C replaced by T.
Protein change: p.Pro870Leu; replaces proline 870 with leucine.
Molecular consequence: missense variant.
Genome position (GRCh38, 1-based): chr12:109,783,628, G>A on the plus strand (C>T on the coding strand, the complement: TRPV4 is on the minus strand). VCF-style: chr12-109783628-G-A. GRCh37 (hg19) VCF-style: chr12-110221433-G-A.
Other names: c.2468C>T, p.Pro823Leu (NM_001177428.2); c.2507C>T, p.Pro836Leu (NM_001177431.2); c.2288C>T, p.Pro763Leu (NM_001177433.2); c.2429C>T, p.Pro810Leu (NM_147204.3); short protein forms P823L, P763L, P810L, P870L, P836L.
Identifiers: ClinVar variation 848074 (VCV000848074.13), dbSNP rs756526036, ClinGen allele CA6779847.

ClinVar aggregate classification (germline): Conflicting classifications of pathogenicity. Review status: criteria provided, conflicting classifications (1 of 4 stars). 3 submissions from 3 submitters: Uncertain significance (2); Likely benign (1). Last evaluated 2026-09-04.

Conditions:
TRPV4-related disorder. Also called: TRPV4-related disorders; TRPV4-related condition.
Inborn genetic diseases. Identifiers: MedGen C0950123, MeSH D030342.
Charcot-Marie-Tooth disease axonal type 2C (HMSN2C). Also called: CHARCOT-MARIE-TOOTH DISEASE, AXONAL, AUTOSOMAL DOMINANT, TYPE 2C; Charcot-Marie-Tooth Neuropathy Type 2C; Charcot-Marie-Tooth Disease Type 2, TRPV4-Related (CMT2C). Identifiers: Orphanet 99937, MedGen C1853710, MONDO:0011633, OMIM 606071.

Allele frequency attached by ClinVar (database versions not stated): gnomAD exomes 0.00002 and 0.00003; ExAC 0.00003; TOPMed 0.00006; gnomAD 0.00008 and 0.00009.
gnomAD v4.1: 46 of 1,613,352 alleles (0.0029%); highest among the groups gnomAD compares: African/African-American, 0.02%; no homozygotes.

Submissions (3):

PreventionGenetics, part of Exact Sciences
Classification: Uncertain significance for TRPV4-related condition. Last evaluated: 2026-09-04. Review status: criteria provided, single submitter. Criteria: ACMG Guidelines, 2015. Collection method: clinical testing. Allele origin: germline.
Comment: The TRPV4 c.2609C>T variant is predicted to result in the amino acid substitution p.Pro870Leu. To our knowledge, this variant has not been reported in the literature. This variant is reported in 0.019% of alleles in individuals of African descent in gnomAD. At this time, the clinical significance of this variant is uncertain due to the absence of conclusive functional and genetic evidence.

Labcorp Genetics (formerly Invitae), Labcorp
Classification: Uncertain significance for Charcot-Marie-Tooth disease axonal type 2C. Last evaluated: 2026-01-14. Review status: criteria provided, single submitter. Criteria: Invitae Variant Classification Sherloc (09022015). Collection method: clinical testing. Allele origin: germline.
Comment: This sequence change replaces proline, which is neutral and non-polar, with leucine, which is neutral and non-polar, at codon 870 of the TRPV4 protein (p.Pro870Leu). This variant is present in population databases (rs756526036, gnomAD 0.02%). This variant has not been reported in the literature in individuals affected with TRPV4-related conditions. ClinVar contains an entry for this variant (Variation ID: 848074). Invitae Evidence Modeling of protein sequence and biophysical properties (such as structural, functional, and spatial information, amino acid conservation, physicochemical variation, residue mobility, and thermodynamic stability) indicates that this missense variant is not expected to disrupt TRPV4 protein function with a negative predictive value of 95%. In summary, the available evidence is currently insufficient to determine the role of this variant in disease. Therefore, it has been classified as a Variant of Uncertain Significance.

Ambry Genetics
Classification: Likely benign for Inborn genetic diseases. Last evaluated: 2023-11-09. Review status: criteria provided, single submitter. Criteria: Ambry Variant Classification Scheme 2023. Collection method: clinical testing. Allele origin: germline.